The following is an entry in ClinVar:

ClinVar aggregate classification (germline): Likely benign (1 of 4 stars; one submission).

gnomAD v4.1: 94 of 1,614,044 alleles (0.0058%); highest among the groups gnomAD compares: Non-Finnish European, 0.0053%; no homozygotes.

Submission:

CeGaT Center for Human Genetics Tuebingen
Classification: Likely benign. Last evaluated: 2025-11-01. Review status: criteria provided, single submitter. Criteria: CeGaT Center For Human Genetics Tuebingen Variant Classification Criteria Version 2. Collection method: clinical testing. Allele origin: germline. Affected: yes. Observed: 1 variant allele.
Comment: HS1BP3: BP4, BP7

NM_022460.4(HS1BP3):c.450C>T (p.Ser150=)

Gene: HS1BP3 (HCLS1 binding protein 3; minus strand). Cytogenetic location: 2p24.1.
Variant type: single nucleotide variant.
Coding change: c.450C>T on transcript NM_022460.4 (MANE Select); coding-DNA position 450, C replaced by T.
Protein change: p.Ser150=; no amino-acid change (serine 150 retained).
Molecular consequence: synonymous variant.
Genome position (GRCh38, 1-based): chr2:20,638,609, G>A on the plus strand (C>T on the coding strand, the complement: HS1BP3 is on the minus strand). VCF-style: chr2-20638609-G-A. GRCh37 (hg19) VCF-style: chr2-20838369-G-A.
Identifiers: ClinVar variation 4533625 (VCV004533625.6).